The following is an entry in ClinVar:

ClinVar aggregate classification (germline): Benign (1 of 4 stars; one submission).

Allele frequency attached by ClinVar (database versions not stated): 1000 Genomes Project 30x 0.00031; 1000 Genomes Project 0.00040.

Submission:

CeGaT Center for Human Genetics Tuebingen
Classification: Benign. Last evaluated: 2024-05-01. Review status: criteria provided, single submitter. Criteria: CeGaT Center For Human Genetics Tuebingen Variant Classification Criteria Version 2. Collection method: clinical testing. Allele origin: germline. Affected: yes. Observed: 1 variant allele.
Comment: AHNAK2: BP4, BS1, BS2

NM_138420.4(AHNAK2):c.10577C>T (p.Pro3526Leu)

Gene: AHNAK2 (AHNAK nucleoprotein 2; minus strand). Cytogenetic location: 14q32.33.
Variant type: single nucleotide variant.
Coding change: c.10577C>T on transcript NM_138420.4 (MANE Select); coding-DNA position 10577, C replaced by T.
Protein change: p.Pro3526Leu; replaces proline 3526 with leucine.
Molecular consequence: missense variant.
Genome position (GRCh38, 1-based): chr14:104,944,874, G>A on the plus strand (C>T on the coding strand, the complement: AHNAK2 is on the minus strand). VCF-style: chr14-104944874-G-A. GRCh37 (hg19) VCF-style: chr14-105411211-G-A.
Other names: c.10277C>T, p.Pro3426Leu (NM_001350929.2); short protein forms P3426L, P3526L.
Identifiers: ClinVar variation 3239041 (VCV003239041.19), dbSNP rs145215748.
Genomic context (GRCh38, chr14:104,944,874, plus strand): 5'-ACGGGGCCCTCCAGGAGTTCCACATCCACTTGGACAGCCTGGACCTCCAGGTCAGCGGAA[G>A]GGGGCTGAATGCTGAGGTCAGTGGCCTTGAGGTCCCCCTGCATGGAGGAGAGGCTCACGT-3'
Protein context (NP_612429.2, residues 3516-3536): LKATDLSIQP[Pro3526Leu]SADLEVQAVQ